The following continues an entry in ClinVar:

NM_000051.4(ATM):c.3802del (p.Glu1267_Val1268insTer)

Gene: ATM. ClinVar aggregate classification (germline): Pathogenic. Pathogenic (1).

Submissions 21 to 35 of 44:

GeneDx
Classification: Pathogenic. Last evaluated: 2024-01-22. Review status: criteria provided, single submitter. Criteria: GeneDx Variant Classification Process June 2021. Collection method: clinical testing. Allele origin: germline. Affected: yes. Not counted in ClinVar's aggregate classification.
Comment: Nonsense variant predicted to result in protein truncation or nonsense mediated decay in a gene for which loss-of-function is a known mechanism of disease; Observed in the heterozygous state in individuals with ATM-related cancers (PMID: 11606401, 18384426, 19781682, 22585167, 27433846, 30306255, 29915322, 29961768); Not observed at significant frequency in large population cohorts (gnomAD); Truncating variants in this gene are considered pathogenic by a well-established clinical consortium and/or database; Also known as 3801delG; This variant is associated with the following publications: (PMID: 16832357, 25077176, 10330348, 15039971, 29478780, 17124347, 30772474, 32866655, 34637943, 32818697, 30257646, 29922827, 28888541, 34758253, 35047863, 23585524, 19781682, 12497634, 25614872, 25037873, 8755918, 22585167, 26786923, 21787400, 27664052, 10864201, 9463314, 11606401, 18384426, 27433846, 27484032, 21445571, 21965147, 28652578, 28691344, 30306255, 9887333, 12815592, 28779002, 21665257, 26182300, 29915322, 29961768, 30303537, 29625052, 26689913, 26896183, 31589614, 32853339, 33436325, 32338768, 35626031, 33758026, 34445196, 36139606, 35264596, 33804961)

Illumina Laboratory Services, Illumina
Classification: Pathogenic for ATM-related cancer predisposition syndrome. Last evaluated: 2023-04-28. Review status: criteria provided, single submitter. Criteria: ICSLVariantClassificationCriteria RUGD 01 April 2020. Collection method: clinical testing. Allele origin: unknown. Not counted in ClinVar's aggregate classification.
Comment: The ATM c.3802del (p.Val1268Ter) nonsense variant, also referred to as c.3801delG, is expected to result in the loss of normal protein function through either protein truncation or nonsense-mediated mRNA decay. Across a selection of the available literature, this variant has been identified in trans with a likely pathogenic or pathogenic ATM variant in multiple individuals with a diagnosis of ataxia-telangiectasia, including at least one individual whose cells showed evidence of reduced protein expression and kinase activity (PMID: 8755918; 9887333; 25614872; 27664052). In addition, truncating variants in ATM, including the p.Val1268Ter variant, have been associated with an increased risk of breast cancer (OR=3.26; 95% CI 1.82-6.46). This variant has also been reported as a germline variant in individuals with pancreatic, prostate, and other cancers (PMID: 29922827; 28779002; 33436325). This variant is reported in the Genome Aggregation Database in six alleles at a frequency of 0.000088 in the European (non-Finnish) population (version 3.1.2) and has been classified as pathogenic by at least 28 submitters in ClinVar. Based on the collective evidence, the c.3802del (p.Val1268Ter) variant is classified as pathogenic for ATM-related cancer predisposition syndrome.

Centre for Mendelian Genomics, University Medical Centre Ljubljana
Classification: Pathogenic for Familial cancer of breast. Last evaluated: 2022-12-09. Review status: criteria provided, single submitter. Criteria: ACMG Guidelines, 2015. Collection method: research. Allele origin: germline. Affected: no. Not counted in ClinVar's aggregate classification.
Comment: PVS1, PS3_MOD, PM3_VSTR

Laboratorio de Genetica e Diagnostico Molecular, Hospital Israelita Albert Einstein
Classification: Pathogenic for Familial cancer of breast. Last evaluated: 2022-06-17. Review status: criteria provided, single submitter. Criteria: ACMG Guidelines, 2015. Collection method: clinical testing. Allele origin: germline. Affected: yes. Observed: 1 variant allele. Not counted in ClinVar's aggregate classification.
Comment: ACMG classification criteria: PVS1 very strong, PS3 supporting, PS4 moderated, PM2 moderated, PM3 moderated

MGZ Medical Genetics Center
Classification: Pathogenic for Ataxia-telangiectasia syndrome. Last evaluated: 2022-06-13. Review status: criteria provided, single submitter. Criteria: ACMG Guidelines, 2015. Collection method: clinical testing. Allele origin: germline. Affected: yes. Observed: 2 variant alleles. Not counted in ClinVar's aggregate classification.
Comment: ACMG criteria applied: PVS1, PM3_STR, PS4_MOD, PM2_SUP

Victorian Clinical Genetics Services, Murdoch Childrens Research Institute
Classification: Pathogenic for Ataxia-telangiectasia syndrome. Last evaluated: 2022-02-02. Review status: criteria provided, single submitter. Criteria: ACMG Guidelines, 2015. Collection method: clinical testing. Allele origin: germline. Inheritance: Autosomal recessive inheritance. Not counted in ClinVar's aggregate classification.
Comment: Based on the classification scheme VCGS_Germline_v1.3.4, this variant is classified as Pathogenic. Following criteria are met: 0102 - Loss of function is a known mechanism of disease in this gene and is associated with ataxia-telangiectasia (MIM#208900). (I) 0106 - This gene is associated with autosomal recessive disease. Carriers of ATM pathogenic variants are at increased risk of developing cancer (mainly breast cancer) (GeneReviews). (I) 0115 - Variants in this gene are known to have variable expressivity. Variable age of onset and rate of disease progression have been reported for affected individuals within the same family (PMIDs: 20301790, 27884168). (I) 0201 - Variant is predicted to cause nonsense-mediated decay (NMD) and loss of protein (premature termination codon is located at least 54 nucleotides upstream of the final exon-exon junction). (SP) 0251 - This variant is heterozygous. (I) 0304 - Variant is present in gnomAD <0.01 for a recessive condition (v2: 11 heterozygotes, 0 homozygotes). (SP) 0701 - Other NMD predicted variants comparable to the one identified in this case have very strong previous evidence for pathogenicity (ClinVar, DECIPHER). (SP) 0801 - This variant has strong previous evidence of pathogenicity in unrelated individuals. It has been reported in multiple homozygotes and compound heterozygotes individuals with ataxia-telangiectasia, and families with various types of cancer (ClinVar). (I) Legend: (SP) - Supporting pathogenic, (I) - Information, (SB) - Supporting benign

Institute for Clinical Genetics, University Hospital TU Dresden, University Hospital TU Dresden
Classification: Pathogenic. Last evaluated: 2021-11-03. Review status: criteria provided, single submitter. Criteria: ACMG Guidelines, 2015. Collection method: clinical testing. Allele origin: germline. Not counted in ClinVar's aggregate classification.

Fulgent Genetics
Classification: Pathogenic for Familial cancer of breast; Ataxia-telangiectasia syndrome. Last evaluated: 2021-07-13. Review status: criteria provided, single submitter. Criteria: ACMG Guidelines, 2015. Collection method: clinical testing. Allele origin: unknown. Not counted in ClinVar's aggregate classification.

Institute of Human Genetics, Heidelberg University
Classification: Pathogenic for Familial cancer of breast; Ataxia-telangiectasia syndrome. Last evaluated: 2021-06-16. Review status: criteria provided, single submitter. Criteria: ACMG Guidelines, 2015. Collection method: clinical testing. Allele origin: paternal. Not counted in ClinVar's aggregate classification.
Comment: secondary finding

Molecular Medicine for Neurodegenerative and Neuromuscular Diseases Unit, IRCCS Fondazione Stella Maris
Classification: Pathogenic for Ataxia-telangiectasia syndrome. Last evaluated: 2021-01-04. Review status: criteria provided, single submitter. Criteria: ACMG Guidelines, 2015. Collection method: research. Allele origin: inherited. Affected: yes. Not counted in ClinVar's aggregate classification.

CHEO Genetics Diagnostic Laboratory, Children's Hospital of Eastern Ontario
Classification: Pathogenic for Breast and/or ovarian cancer. Last evaluated: 2020-11-03. Review status: criteria provided, single submitter. Criteria: ACMG Guidelines, 2015. Collection method: clinical testing. Allele origin: germline. Not counted in ClinVar's aggregate classification.

Institute of Medical Genetics and Applied Genomics, University Hospital Tübingen
Classification: Pathogenic. Last evaluated: 2020-10-23. Review status: criteria provided, single submitter. Criteria: ACMG Guidelines, 2015. Collection method: clinical testing. Allele origin: germline. Inheritance: Unknown mechanism. Affected: yes. Not counted in ClinVar's aggregate classification.

Spanish ATM Cancer Susceptibility Variant Interpretation Working Group
Classification: Pathogenic for Hereditary cancer-predisposing syndrome. Last evaluated: 2020-06-17. Review status: criteria provided, single submitter. Criteria: Feliubadaló L et al. (Clin Chem 2021). Collection method: clinical testing. Allele origin: germline. Affected: yes. Observed: 2 heterozygotes. Clinical features observed: Breast carcinoma, Pancreatic adenocarcinoma. Not counted in ClinVar's aggregate classification.
Comment: The c.3802del (p.Val1268*) variant generates a stop codon that is predicted to result in a truncated or absent protein, due to nonsense mediated decay (NMD) (PVS1). It has an allele frequency of 0.0034%, (9/268,016 alleles) in the gnomAD v2.1.1 non-cancer dataset, with a maximal frequency of 0.0086%, (3/35,074 alleles) in the the Latino / Admixed American subpopulation (no population frequency criterion met). It has been reported in at least eighteen ataxia-telangiectasia probands in homozygosis or together with (likely) pathogenic variants, which awards 4 points to this variant as per ClinGen SVI Recommendation for in trans Criterion (PM3_VeryStrong; PMID: 27664052, 10330348, 12815592, 21665257, 21965147, 8755918, 9887333). Moreover, lymphoblastoid cell lines of patients carrying this variant have been reported to have residual or absent ATM protein expression, no detectable ATM p.Ser1981 autophosphorylation, weak transphosphorylation activity of two substrates and intermediate or high radiosensitivity (PS3; PMID: 10864201, 27664052, 25077176). Therefore, this variant meets criteria to be classified as pathogenic. Adapted ACMG/AMP rules applied as defined by the Spanish ATM working group: PVS1 + PM3_VeryStrong + PS3 (PMID: 33280026).

Department of Molecular Diagnostics, Institute of Oncology Ljubljana
Classification: Pathogenic for Familial cancer of breast. Last evaluated: 2020-04-02. Review status: criteria provided, single submitter. Criteria: ACMG Guidelines, 2015. Collection method: clinical testing. Allele origin: germline. Affected: yes. Not counted in ClinVar's aggregate classification.

Institute of Human Genetics, University of Leipzig Medical Center
Classification: Pathogenic for Ataxia-telangiectasia syndrome. Last evaluated: 2019-01-01. Review status: criteria provided, single submitter. Criteria: ACMG Guidelines, 2015. Collection method: clinical testing. Allele origin: unknown. Affected: no. Not counted in ClinVar's aggregate classification.